The following is an entry in ClinVar:

ClinVar aggregate classification (germline): Likely pathogenic. Review status: criteria provided, single submitter (1 of 4 stars). 2 submissions from 2 submitters: Likely pathogenic (1). 1 of the submissions does not count toward it. Last evaluated 2022-08-18.

Conditions:
Tay-Sachs disease (TSD). Also called: GM2 gangliosidosis, type 1; Hexosaminidase alpha-subunit deficiency (variant B); Sphingolipidosis, Tay-Sachs; Hexosaminidase A Deficiency; HEXA Disorders; HEXA DEFICIENCY. Identifiers: Orphanet 845, MedGen C0039373, MONDO:0010100, OMIM 272800.
GM2-GANGLIOSIDOSIS, B1 VARIANT. Identifiers: MedGen C2749283.

Submissions (2):

Women's Health and Genetics/Laboratory Corporation of America, LabCorp
Classification: Likely pathogenic for Tay-Sachs disease. Last evaluated: 2022-08-18. Review status: criteria provided, single submitter. Criteria: LabCorp Variant Classification Summary - May 2015. Collection method: clinical testing. Allele origin: germline.
Comment: Variant summary: HEXA c.987G>A (p.Trp329X) results in a premature termination codon, predicted to cause a truncation of the encoded protein or absence of the protein due to nonsense mediated decay, which are commonly known mechanisms for disease. Truncations downstream of this position have been classified as pathogenic by our laboratory. The variant was absent in 251370 control chromosomes (gnomAD). c.987G>A has been reported in the literature in the compound heterozygous state, in trans with a pathogenic variant, in at least one individual affected with Tay-Sachs Disease (e.g. Mules_1992). This suggests the variant is likely associated with disease. To our knowledge, no experimental evidence demonstrating an impact on protein function has been reported. No clinical diagnostic laboratories have submitted clinical-significance assessments for this variant to ClinVar after 2014. Based on the evidence outlined above, the variant was classified as likely pathogenic.

OMIM
Classification: Pathogenic for GM2-GANGLIOSIDOSIS, B1 VARIANT. Last evaluated: 1992-04-01. Review status: no assertion criteria provided. Collection method: literature only. Allele origin: germline. Not counted in ClinVar's aggregate classification.

Literature cited by the submitters: PubMed 1532289 (cited by Women's Health and Genetics/Laboratory Corporation of America, LabCorp and OMIM).

NM_000520.6(HEXA):c.987G>A (p.Trp329Ter)

Gene: HEXA (hexosaminidase subunit alpha; minus strand). Cytogenetic location: 15q23.
Variant type: single nucleotide variant.
Coding change: c.987G>A on transcript NM_000520.6 (MANE Select); coding-DNA position 987, G replaced by A.
Protein change: p.Trp329Ter; replaces tryptophan 329 with a stop codon.
Molecular consequence: nonsense. On other transcripts: non-coding transcript variant (1).
Genome position (GRCh38, 1-based): chr15:72,348,134, C>T on the plus strand (G>A on the coding strand, the complement: HEXA is on the minus strand). VCF-style: chr15-72348134-C-T. GRCh37 (hg19) VCF-style: chr15-72640475-C-T.
Other names: c.1020G>A, p.Trp340Ter (NM_001318825.2); short protein forms W329*, W340*.
Identifiers: ClinVar variation 3916 (VCV000003916.2), dbSNP rs121907967, ClinGen allele CA116505.
Genomic context (GRCh38, chr15:72,348,134, plus strand): 5'-CTTGAAGTCCTCACCGAAGCCTTTCTTCCTCATAAAGTCCTGGATCTCTGGGTTGGACTT[C>T]CTGAATCCCAAGAGAAAATGAAGATTAATCTTTCAACATCCTGAAAGCCTAATGCCTGGG-3'